The following is an entry in ClinVar:

NM_001367561.1(DOCK7):c.4415A>G (p.Asp1472Gly)

Gene: DOCK7 (dedicator of cytokinesis 7; minus strand). Cytogenetic location: 1p31.3.
Variant type: single nucleotide variant.
Coding change: c.4415A>G on transcript NM_001367561.1 (MANE Select); coding-DNA position 4415, A replaced by G.
Protein change: p.Asp1472Gly; replaces aspartic acid 1472 with glycine.
Molecular consequence: missense variant.
Genome position (GRCh38, 1-based): chr1:62,508,023, T>C on the plus strand (A>G on the coding strand, the complement: DOCK7 is on the minus strand). VCF-style: chr1-62508023-T-C. GRCh37 (hg19) VCF-style: chr1-62973694-T-C.
Other names: c.4388A>G, p.Asp1463Gly (NM_001271999.2, NM_001330614.2); c.4295A>G, p.Asp1432Gly (NM_001272000.2, NM_001272001.2); c.4322A>G, p.Asp1441Gly (NM_033407.4); c.4322A>G (NM_033407.2); short protein forms D1463G, D1441G, D1432G, D1472G.
Identifiers: ClinVar variation 475148 (VCV000475148.12), dbSNP rs770382237, ClinGen allele CA885702.

ClinVar aggregate classification (germline): Uncertain significance. Review status: criteria provided, multiple submitters, no conflicts (2 of 4 stars). 5 submissions from 5 submitters: Uncertain significance (5). Last evaluated 2025-08-04.

Conditions:
Developmental and epileptic encephalopathy, 23 (DEE23). Also called: Epileptic encephalopathy, early infantile, 23. Identifiers: Orphanet 411986, MedGen C4014492, MONDO:0014371, OMIM 615859.
Inborn genetic diseases. Identifiers: MedGen C0950123, MeSH D030342.

Allele frequency attached by ClinVar (database versions not stated): TOPMed 0.00008; gnomAD 0.00009 and 0.00010; ExAC 0.00010; gnomAD exomes 0.00010.
gnomAD v4.1: 96 of 1,613,028 alleles (0.006%); highest among the groups gnomAD compares: Admixed American, 0.07%; no homozygotes.

Submissions (5):

Ambry Genetics
Classification: Uncertain significance for Inborn genetic diseases. Last evaluated: 2025-08-04. Review status: criteria provided, single submitter. Criteria: Ambry Variant Classification Scheme 2023. Collection method: clinical testing. Allele origin: germline.

GeneDx
Classification: Uncertain significance. Last evaluated: 2025-06-10. Review status: criteria provided, single submitter. Criteria: GeneDx Variant Classification Process June 2021. Collection method: clinical testing. Allele origin: germline. Affected: yes.
Comment: In silico analysis supports that this missense variant has a deleterious effect on protein structure/function; Has not been previously published as pathogenic or benign to our knowledge

Genome-Nilou Lab
Classification: Uncertain significance for Developmental and epileptic encephalopathy, 23. Last evaluated: 2023-04-11. Review status: criteria provided, single submitter. Criteria: ACMG Guidelines, 2015. Collection method: clinical testing. Allele origin: germline. Affected: no.

Labcorp Genetics (formerly Invitae), Labcorp
Classification: Uncertain significance for Developmental and epileptic encephalopathy, 23. Last evaluated: 2022-10-13. Review status: criteria provided, single submitter. Criteria: Invitae Variant Classification Sherloc (09022015). Collection method: clinical testing. Allele origin: germline.
Comment: This sequence change replaces aspartic acid, which is acidic and polar, with glycine, which is neutral and non-polar, at codon 1463 of the DOCK7 protein (p.Asp1463Gly). This variant is present in population databases (rs770382237, gnomAD 0.06%). This variant has not been reported in the literature in individuals affected with DOCK7-related conditions. ClinVar contains an entry for this variant (Variation ID: 475148). Advanced modeling of protein sequence and biophysical properties (such as structural, functional, and spatial information, amino acid conservation, physicochemical variation, residue mobility, and thermodynamic stability) performed at Invitae indicates that this missense variant is not expected to disrupt DOCK7 protein function. In summary, the available evidence is currently insufficient to determine the role of this variant in disease. Therefore, it has been classified as a Variant of Uncertain Significance.

Revvity Omics, Revvity
Classification: Uncertain significance for Developmental and epileptic encephalopathy, 23. Last evaluated: 2019-01-29. Review status: criteria provided, single submitter. Criteria: ACMG Guidelines, 2015. Collection method: clinical testing. Allele origin: germline.